The following is an entry in ClinVar:

NM_021930.6(RINT1):c.1493C>T (p.Thr498Ile)

Gene: RINT1 (RAD50 interactor 1; plus strand). Cytogenetic location: 7q22.3.
Variant type: single nucleotide variant.
Coding change: c.1493C>T on transcript NM_021930.6 (MANE Select); coding-DNA position 1493, C replaced by T.
Protein change: p.Thr498Ile; replaces threonine 498 with isoleucine.
Molecular consequence: missense variant.
Genome position (GRCh38, 1-based): chr7:105,555,049, C>T. VCF-style: chr7-105555049-C-T. GRCh37 (hg19) VCF-style: chr7-105195496-C-T.
Other names: c.1259C>T, p.Thr420Ile (NM_001346599.2); c.470C>T, p.Thr157Ile (NM_001346600.2, NM_001346603.2); c.569C>T, p.Thr190Ile (NM_001346601.2); short protein forms T190I, T420I, T157I, T498I.
Identifiers: ClinVar variation 842333 (VCV000842333.12), dbSNP rs778897084, ClinGen allele CA4426700.

ClinVar aggregate classification (germline): Uncertain significance. Review status: criteria provided, multiple submitters, no conflicts (2 of 4 stars). 2 submissions from 2 submitters: Uncertain significance (2). Last evaluated 2022-02-08.

Allele frequency attached by ClinVar (database versions not stated): gnomAD exomes below 0.00001; ExAC 0.00001; gnomAD 0.00001; TOPMed 0.00002.
gnomAD v4.1: 3 of 1,613,752 alleles (0.00019%); highest among the groups gnomAD compares: African/African-American, 0.004%; no homozygotes.

Submissions (2):

Ambry Genetics
Classification: Uncertain significance. Last evaluated: 2022-02-08. Review status: criteria provided, single submitter. Criteria: Ambry Variant Classification Scheme 2023. Collection method: clinical testing. Allele origin: germline.
Comment: The p.T498I variant (also known as c.1493C>T), located in coding exon 11 of the RINT1 gene, results from a C to T substitution at nucleotide position 1493. The threonine at codon 498 is replaced by isoleucine, an amino acid with similar properties. This amino acid position is conserved. In addition, this alteration is predicted to be tolerated by in silico analysis. Since supporting evidence is limited at this time, the clinical significance of this alteration remains unclear.

Labcorp Genetics (formerly Invitae), Labcorp
Classification: Uncertain significance. Last evaluated: 2019-12-13. Review status: criteria provided, single submitter. Criteria: Invitae Variant Classification Sherloc (09022015). Collection method: clinical testing. Allele origin: germline.
Comment: This sequence change replaces threonine with isoleucine at codon 498 of the RINT1 protein (p.Thr498Ile). The threonine residue is highly conserved and there is a moderate physicochemical difference between threonine and isoleucine. This variant is present in population databases (rs778897084, ExAC 0.01%). This variant has not been reported in the literature in individuals with RINT1-related conditions. Algorithms developed to predict the effect of missense changes on protein structure and function are either unavailable or do not agree on the potential impact of this missense change (SIFT: "Deleterious"; PolyPhen-2: "Benign"; Align-GVGD: "Class C0"). In summary, the available evidence is currently insufficient to determine the role of this variant in disease. Therefore, it has been classified as a Variant of Uncertain Significance.